The following is an entry in ClinVar:

ClinVar aggregate classification (germline): Uncertain significance (1 of 4 stars; one submission).

Allele frequency attached by ClinVar (database versions not stated): TOPMed 0.00001.

Submission:

Labcorp Genetics (formerly Invitae), Labcorp
Classification: Uncertain significance. Last evaluated: 2022-09-15. Review status: criteria provided, single submitter. Criteria: Invitae Variant Classification Sherloc (09022015). Collection method: clinical testing. Allele origin: germline.
Comment: This variant has not been reported in the literature in individuals affected with ARHGEF1-related conditions. This sequence change replaces glycine, which is neutral and non-polar, with alanine, which is neutral and non-polar, at codon 88 of the ARHGEF1 protein (p.Gly88Ala). This variant is not present in population databases (gnomAD no frequency). Algorithms developed to predict the effect of missense changes on protein structure and function output the following: SIFT: "Deleterious"; PolyPhen-2: "Benign"; Align-GVGD: "Class C0". The alanine amino acid residue is found in multiple mammalian species, which suggests that this missense change does not adversely affect protein function. In summary, the available evidence is currently insufficient to determine the role of this variant in disease. Therefore, it has been classified as a Variant of Uncertain Significance.

NM_004706.4(ARHGEF1):c.218G>C (p.Gly73Ala)

Gene: ARHGEF1 (Rho guanine nucleotide exchange factor 1; plus strand). Cytogenetic location: 19q13.2.
Variant type: single nucleotide variant.
Coding change: c.218G>C on transcript NM_004706.4 (MANE Select); coding-DNA position 218, G replaced by C.
Protein change: p.Gly73Ala; replaces glycine 73 with alanine.
Molecular consequence: missense variant. On other transcripts: non-coding transcript variant (2).
Genome position (GRCh38, 1-based): chr19:41,888,858, G>C. VCF-style: chr19-41888858-G-C. GRCh37 (hg19) VCF-style: chr19-42392929-G-C.
Other names: c.218G>C, p.Gly73Ala (NM_001396000.1, NM_001396002.1, NM_001396003.1 and 3 more transcripts); c.263G>C, p.Gly88Ala (NM_199002.2); short protein forms G73A, G88A.
Identifiers: ClinVar variation 1719542 (VCV001719542.5), dbSNP rs2074334037, ClinGen allele CA406044486.